The following is an entry in ClinVar:

NM_000138.5(FBN1):c.8356A>G (p.Thr2786Ala)

Gene: FBN1 (fibrillin 1; minus strand). Cytogenetic location: 15q21.1.
Variant type: single nucleotide variant.
Coding change: c.8356A>G on transcript NM_000138.5 (MANE Select); coding-DNA position 8356, A replaced by G.
Protein change: p.Thr2786Ala; replaces threonine 2786 with alanine.
Molecular consequence: missense variant.
Genome position (GRCh38, 1-based): chr15:48,411,250, T>C on the plus strand (A>G on the coding strand, the complement: FBN1 is on the minus strand). VCF-style: chr15-48411250-T-C. GRCh37 (hg19) VCF-style: chr15-48703447-T-C.
Other names: short protein forms T2786A.
Identifiers: ClinVar variation 659948 (VCV000659948.14), dbSNP rs781352764, ClinGen allele CA059955.

ClinVar aggregate classification (germline): Conflicting classifications of pathogenicity. Review status: criteria provided, conflicting classifications (1 of 4 stars). 9 submissions from 4 submitters: Uncertain significance (8); Likely benign (1). Last evaluated 2026-03-13.

Conditions:
Weill-Marchesani syndrome. Also called: WM Syndrome; Mesodermal dysmorphodystrophy congenital. Identifiers: Orphanet 3449, MedGen C0265313, MONDO:0018096.
Acromicric dysplasia (ACMICD). Also called: Acromicric skeletal dysplasia. Identifiers: Orphanet 969, MedGen C0265287, MONDO:0007055, OMIM 102370.
Marfan syndrome (MFS). Also called: Marfan syndrome type 1; Marfan's syndrome; Marfan syndrome, classic; FBN1-Related Marfan Syndrome; MARFAN SYNDROME, TYPE I. Identifiers: Orphanet 284963, Orphanet 558, MedGen C0024796, MONDO:0007947, OMIM 154700.
Ectopia lentis 1, isolated, autosomal dominant (ECTOL1). Identifiers: Orphanet 1885, MedGen C3541518, MONDO:0007514, OMIM 129600.
Stiff skin syndrome (SSKS). Identifiers: Orphanet 2833, MedGen C1861456, MONDO:0008492, OMIM 184900.
Familial thoracic aortic aneurysm and aortic dissection (TAAD). Also called: Thoracic aortic aneurysms and dissections. Identifiers: Orphanet 91387, MedGen C4707243, MONDO:0019625.

Allele frequency attached by ClinVar (database versions not stated): ExAC 0.00001; gnomAD exomes below 0.00001.

Submissions (9):

GeneDx
Classification: Uncertain significance. Last evaluated: 2026-03-13. Review status: criteria provided, single submitter. Criteria: GeneDx Variant Classification Process June 2021. Collection method: clinical testing. Allele origin: germline.
Comment: Not observed at significant frequency in large population cohorts (gnomAD); In silico analysis suggests that this missense variant does not alter protein structure/function; Has not been previously published as pathogenic or benign to our knowledge; Does not affect a cysteine or calcium-binding residue within an EGF-like domain or a TGF-binding protein domain of the FBN1 gene; cysteine substitutions in the EGF-like domains represent the majority of pathogenic missense changes associated with FBN1-related disorders (PMID: 12938084); This variant is associated with the following publications: (PMID: 12938084)

All of Us Research Program, National Institutes of Health
Classification: Uncertain significance for Marfan syndrome. Last evaluated: 2024-05-14. Review status: criteria provided, single submitter. Criteria: ACMG Guidelines, 2015. Collection method: clinical testing. Allele origin: germline. Inheritance: Autosomal dominant inheritance. Observed: 1 variant allele, 1 heterozygote.
Comment: This missense variant replaces threonine with alanine at codon 2786 of the FBN1 protein. Computational prediction tools indicate that this variant has a neutral impact on protein structure and function. To our knowledge, functional studies have not been reported for this variant. This variant has not been reported in individuals affected with FBN1-related disorders in the literature. This variant has been identified in 1/251430 chromosomes in the general population by the Genome Aggregation Database (gnomAD). The available evidence is insufficient to determine the role of this variant in disease conclusively. Therefore, this variant is classified as a Variant of Uncertain Significance.

This study involves interpretation of variants in research participants for the purpose of population health screening. Participant phenotype was not available at the time of variant classification. Additional details can be found in publication PMID: 35346344, PMCID: PMC8962531

Labcorp Genetics (formerly Invitae), Labcorp
Classification: Likely benign for Marfan syndrome; Familial thoracic aortic aneurysm and aortic dissection. Last evaluated: 2023-08-04. Review status: criteria provided, single submitter. Criteria: Invitae Variant Classification Sherloc (09022015). Collection method: clinical testing. Allele origin: germline.

Illumina Laboratory Services, Illumina
Classification: Uncertain significance for Acromicric dysplasia. Last evaluated: 2017-04-27. Review status: criteria provided, single submitter. Criteria: ICSL Variant Classification Criteria 13 December 2019. Collection method: clinical testing. Allele origin: germline.

Illumina Laboratory Services, Illumina
Classification: Uncertain significance for Ectopia lentis 1, isolated, autosomal dominant. Last evaluated: 2017-04-27. Review status: criteria provided, single submitter. Criteria: ICSL Variant Classification Criteria 13 December 2019. Collection method: clinical testing. Allele origin: germline.

Illumina Laboratory Services, Illumina
Classification: Uncertain significance for Marfan syndrome. Last evaluated: 2017-04-27. Review status: criteria provided, single submitter. Criteria: ICSL Variant Classification Criteria 13 December 2019. Collection method: clinical testing. Allele origin: germline.

Illumina Laboratory Services, Illumina
Classification: Uncertain significance for Familial thoracic aortic aneurysm and aortic dissection. Last evaluated: 2017-04-27. Review status: criteria provided, single submitter. Criteria: ICSL Variant Classification Criteria 13 December 2019. Collection method: clinical testing. Allele origin: germline.

Illumina Laboratory Services, Illumina
Classification: Uncertain significance for Weill-Marchesani syndrome. Last evaluated: 2017-04-27. Review status: criteria provided, single submitter. Criteria: ICSL Variant Classification Criteria 13 December 2019. Collection method: clinical testing. Allele origin: germline.

Illumina Laboratory Services, Illumina
Classification: Uncertain significance for Stiff skin syndrome. Last evaluated: 2017-04-27. Review status: criteria provided, single submitter. Criteria: ICSL Variant Classification Criteria 13 December 2019. Collection method: clinical testing. Allele origin: germline.